The following is an entry in ClinVar:

ClinVar aggregate classification (germline): Uncertain significance (1 of 4 stars; one submission).

Conditions:
Progressive sclerosing poliodystrophy (MTDPS4A). Also called: Mitochondrial DNA depletion syndrome 4A (Alpers type); Alpers Syndrome; ALPERS DIFFUSE DEGENERATION OF CEREBRAL GRAY MATTER WITH HEPATIC CIRRHOSIS; Alpers-Huttenlocher Syndrome; ALPERS PROGRESSIVE INFANTILE POLIODYSTROPHY; NEURONAL DEGENERATION OF CHILDHOOD WITH LIVER DISEASE, PROGRESSIVE. Identifiers: Orphanet 726, MedGen C0205710, MONDO:0008758, OMIM 203700.

Allele frequency attached by ClinVar (database versions not stated): gnomAD exomes below 0.00001.
gnomAD v4.1: 2 of 1,613,156 alleles (0.00012%); highest among the groups gnomAD compares: Admixed American, 0.0017%; no homozygotes.

Submission:

Labcorp Genetics (formerly Invitae), Labcorp
Classification: Uncertain significance for Progressive sclerosing poliodystrophy. Last evaluated: 2022-10-01. Review status: criteria provided, single submitter. Criteria: Invitae Variant Classification Sherloc (09022015). Collection method: clinical testing. Allele origin: germline.
Comment: This sequence change replaces glutamic acid, which is acidic and polar, with aspartic acid, which is acidic and polar, at codon 1216 of the POLG protein (p.Glu1216Asp). This variant is present in population databases (no rsID available, gnomAD 0.003%). This variant has not been reported in the literature in individuals affected with POLG-related conditions. Advanced modeling of protein sequence and biophysical properties (such as structural, functional, and spatial information, amino acid conservation, physicochemical variation, residue mobility, and thermodynamic stability) performed at Invitae indicates that this missense variant is expected to disrupt POLG protein function. In summary, the available evidence is currently insufficient to determine the role of this variant in disease. Therefore, it has been classified as a Variant of Uncertain Significance.

NM_002693.3(POLG):c.3648A>C (p.Glu1216Asp)

Genes: FANCI (FA complementation group I; plus strand), POLG (DNA polymerase gamma, catalytic subunit; minus strand). Cytogenetic location: 15q26.1.
Variant type: single nucleotide variant.
Coding change: c.3648A>C on transcript NM_002693.3 (MANE Select); coding-DNA position 3648, A replaced by C.
Protein change: p.Glu1216Asp; replaces glutamic acid 1216 with aspartic acid.
Molecular consequence: missense variant. On other transcripts: 3 prime UTR variant (4).
Genome position (GRCh38, 1-based): chr15:89,316,823, T>G on the plus strand (A>C on the coding strand, the complement: POLG is on the minus strand). VCF-style: chr15-89316823-T-G. GRCh37 (hg19) VCF-style: chr15-89860054-T-G.
Other names: c.3648A>C, p.Glu1216Asp (NM_001126131.2); c.*364T>G (NM_001113378.2, NM_001376910.1, NM_001376911.1 and 1 more transcripts); short protein forms E1216D.
Identifiers: ClinVar variation 2144116 (VCV002144116.1), dbSNP rs1371121920, ClinGen allele CA393747054.